The following is an entry in ClinVar:

ClinVar aggregate classification (germline): Pathogenic (1 of 4 stars; one submission).

gnomAD v4.1: 5 of 1,614,142 alleles (0.00031%); highest among the groups gnomAD compares: South Asian, 0.0022%; no homozygotes.

Submission:

Labcorp Genetics (formerly Invitae), Labcorp
Classification: Pathogenic. Last evaluated: 2024-05-18. Review status: criteria provided, single submitter. Criteria: Invitae Variant Classification Sherloc (09022015). Collection method: clinical testing. Allele origin: germline.
Comment: This sequence change creates a premature translational stop signal (p.Gln1051*) in the TET2 gene. It is expected to result in an absent or disrupted protein product. Loss-of-function variants in TET2 are known to be pathogenic (PMID: 36066697). The frequency data for this variant in the population databases is considered unreliable, as metrics indicate poor data quality at this position in the gnomAD database. This variant has not been reported in the literature in individuals affected with TET2-related conditions. For these reasons, this variant has been classified as Pathogenic.

Literature cited by the submitters: PubMed 36066697.

NM_001127208.3(TET2):c.3151C>T (p.Gln1051Ter)

Genes: TET2 (tet methylcytosine dioxygenase 2; plus strand), TET2-AS1 (TET2 antisense RNA 1; minus strand). Cytogenetic location: 4q24.
Variant type: single nucleotide variant.
Coding change: c.3151C>T on transcript NM_001127208.3 (MANE Select); coding-DNA position 3151, C replaced by T.
Protein change: p.Gln1051Ter; replaces glutamine 1051 with a stop codon.
Molecular consequence: nonsense.
Genome position (GRCh38, 1-based): chr4:105,237,093, C>T. VCF-style: chr4-105237093-C-T. GRCh37 (hg19) VCF-style: chr4-106158250-C-T.
Other names: c.3151C>T, p.Gln1051Ter (NM_017628.4); short protein forms Q1051*.
Identifiers: ClinVar variation 3681107 (VCV003681107.2).
Genomic context (GRCh38, chr4:105,237,093, plus strand): 5'-CATCTGAAGCAGTTTCACGCCAAGTCGTTATTTGACCATAAGGCTCTTACTCTCAAATCA[C>T]AGAAGCAAGTAAAAGTTGAAATGTCAGGGCCAGTCACAGTTTTGACTAGACAAACCACTG-3'